The following is an entry in ClinVar:

ClinVar aggregate classification (germline): Pathogenic (1 of 4 stars; one submission).

Conditions:
Fanconi anemia (FA). Also called: Fanconi's anemia. Identifiers: Orphanet 84, MedGen C0015625, MeSH D005199, MONDO:0019391.

Submission:

Labcorp Genetics (formerly Invitae), Labcorp
Classification: Pathogenic for Fanconi anemia. Last evaluated: 2022-05-17. Review status: criteria provided, single submitter. Criteria: Invitae Variant Classification Sherloc (09022015). Collection method: clinical testing. Allele origin: germline.
Comment: For these reasons, this variant has been classified as Pathogenic. ClinVar contains an entry for this variant (Variation ID: 937498). This variant has not been reported in the literature in individuals affected with FANCC-related conditions. This variant is not present in population databases (gnomAD no frequency). This sequence change creates a premature translational stop signal (p.Ser108*) in the FANCC gene. It is expected to result in an absent or disrupted protein product. Loss-of-function variants in FANCC are known to be pathogenic (PMID: 17924555).

Literature cited by the submitters: PubMed 17924555.

NM_000136.3(FANCC):c.323C>G (p.Ser108Ter)

Gene: FANCC (FA complementation group C; minus strand). Cytogenetic location: 9q22.32.
Variant type: single nucleotide variant.
Coding change: c.323C>G on transcript NM_000136.3 (MANE Select); coding-DNA position 323, C replaced by G.
Protein change: p.Ser108Ter; replaces serine 108 with a stop codon.
Molecular consequence: nonsense.
Genome position (GRCh38, 1-based): chr9:95,240,671, G>C on the plus strand (C>G on the coding strand, the complement: FANCC is on the minus strand). VCF-style: chr9-95240671-G-C. GRCh37 (hg19) VCF-style: chr9-98002953-G-C.
Other names: c.323C>G, p.Ser108Ter (NM_001243743.2, NM_001243744.2); short protein forms S108*.
Identifiers: ClinVar variation 937498 (VCV000937498.7), dbSNP rs1830581816, ClinGen allele CA374339233.